The following is an entry in ClinVar:

ClinVar aggregate classification (germline): Uncertain significance (1 of 4 stars; one submission).

Conditions:
Carney complex, type 1 (CNC1). Also called: CARNEY COMPLEX, TYPE I; CARNEY MYXOMA-ENDOCRINE COMPLEX. Identifiers: Orphanet 1359, MedGen C2607929, MONDO:0008057, OMIM 160980.

Submission:

Labcorp Genetics (formerly Invitae), Labcorp
Classification: Uncertain significance for Carney complex, type 1. Last evaluated: 2021-01-16. Review status: criteria provided, single submitter. Criteria: Invitae Variant Classification Sherloc (09022015). Collection method: clinical testing. Allele origin: germline.
Comment: In summary, the available evidence is currently insufficient to determine the role of this variant in disease. Therefore, it has been classified as a Variant of Uncertain Significance. Algorithms developed to predict the effect of missense changes on protein structure and function (SIFT, PolyPhen-2, Align-GVGD) all suggest that this variant is likely to be tolerated, but these predictions have not been confirmed by published functional studies and their clinical significance is uncertain. This variant has not been reported in the literature in individuals with PRKAR1A-related conditions. This variant is not present in population databases (ExAC no frequency). This sequence change replaces serine with alanine at codon 254 of the PRKAR1A protein (p.Ser254Ala). The serine residue is highly conserved and there is a moderate physicochemical difference between serine and alanine.

NM_002734.5(PRKAR1A):c.760T>G (p.Ser254Ala)

Gene: PRKAR1A (protein kinase cAMP-dependent type I regulatory subunit alpha; plus strand). Cytogenetic location: 17q24.2.
Variant type: single nucleotide variant.
Coding change: c.760T>G on transcript NM_002734.5 (MANE Select); coding-DNA position 760, T replaced by G.
Protein change: p.Ser254Ala; replaces serine 254 with alanine.
Molecular consequence: missense variant.
Genome position (GRCh38, 1-based): chr17:68,527,891, T>G. VCF-style: chr17-68527891-T-G. GRCh37 (hg19) VCF-style: chr17-66524032-T-G.
Other names: c.760T>G, p.Ser254Ala (NM_001276289.2, NM_001276290.1, NM_001278433.2 and 4 more transcripts); short protein forms S254A.
Identifiers: ClinVar variation 1432723 (VCV001432723.8), dbSNP rs2143350932, ClinGen allele CA400753580.